The following is an entry in ClinVar:

ClinVar aggregate classification (germline): Uncertain significance (1 of 4 stars; one submission).

Allele frequency attached by ClinVar (database versions not stated): gnomAD exomes below 0.00001; TOPMed 0.00003.
gnomAD v4.1: 2 of 1,610,810 alleles (0.00012%); highest among the groups gnomAD compares: Admixed American, 0.0017%; no homozygotes.

Submission:

Labcorp Genetics (formerly Invitae), Labcorp
Classification: Uncertain significance. Last evaluated: 2021-04-11. Review status: criteria provided, single submitter. Criteria: Invitae Variant Classification Sherloc (09022015). Collection method: clinical testing. Allele origin: germline.
Comment: In summary, the available evidence is currently insufficient to determine the role of this variant in disease. Therefore, it has been classified as a Variant of Uncertain Significance. Algorithms developed to predict the effect of missense changes on protein structure and function output the following: SIFT: "Not Available"; PolyPhen-2: "Benign"; Align-GVGD: "Not Available". The valine amino acid residue is found in multiple mammalian species, suggesting that this missense change does not adversely affect protein function. These predictions have not been confirmed by published functional studies and their clinical significance is uncertain. This variant has not been reported in the literature in individuals with C9-related conditions. This variant is not present in population databases (ExAC no frequency). This sequence change replaces isoleucine with valine at codon 13 of the C9 protein (p.Ile13Val). The isoleucine residue is moderately conserved and there is a small physicochemical difference between isoleucine and valine.

NM_001737.5(C9):c.37A>G (p.Ile13Val)

Gene: C9 (complement C9; minus strand). Cytogenetic location: 5p13.1.
Variant type: single nucleotide variant.
Coding change: c.37A>G on transcript NM_001737.5 (MANE Select); coding-DNA position 37, A replaced by G.
Protein change: p.Ile13Val; replaces isoleucine 13 with valine.
Molecular consequence: missense variant.
Genome position (GRCh38, 1-based): chr5:39,364,428, T>C on the plus strand (A>G on the coding strand, the complement: C9 is on the minus strand). VCF-style: chr5-39364428-T-C. GRCh37 (hg19) VCF-style: chr5-39364530-T-C.
Other names: short protein forms I13V.
Identifiers: ClinVar variation 1488659 (VCV001488659.6), dbSNP rs1204634831, ClinGen allele CA359569392.